The following is an entry in ClinVar:

ClinVar aggregate classification (germline): Uncertain significance. Review status: criteria provided, multiple submitters, no conflicts (2 of 4 stars). 3 submissions from 3 submitters: Uncertain significance (3). Last evaluated 2025-01-08.

Conditions:
Hereditary cancer-predisposing syndrome. Also called: Neoplastic Syndromes, Hereditary; Hereditary Cancer Syndrome; Tumor predisposition; Hereditary neoplastic syndrome. Identifiers: Orphanet 140162, MedGen C0027672, MeSH D009386, MONDO:0015356.
Breast-ovarian cancer, familial, susceptibility to, 4. Identifiers: Orphanet 145, MedGen C3280345, MONDO:0013669, OMIM 614291.

Allele frequency attached by ClinVar (database versions not stated): TOPMed below 0.00001.

Submissions (3):

Ambry Genetics
Classification: Uncertain significance for Hereditary cancer-predisposing syndrome. Last evaluated: 2025-01-08. Review status: criteria provided, single submitter. Criteria: Ambry Variant Classification Scheme 2023. Collection method: clinical testing. Allele origin: germline.

Labcorp Genetics (formerly Invitae), Labcorp
Classification: Uncertain significance for Breast-ovarian cancer, familial, susceptibility to, 4. Last evaluated: 2024-08-30. Review status: criteria provided, single submitter. Criteria: Invitae Variant Classification Sherloc (09022015). Collection method: clinical testing. Allele origin: germline.
Comment: This sequence change replaces serine, which is neutral and polar, with arginine, which is basic and polar, at codon 111 of the RAD51D protein (p.Ser111Arg). This variant is not present in population databases (gnomAD no frequency). This variant has not been reported in the literature in individuals affected with RAD51D-related conditions. ClinVar contains an entry for this variant (Variation ID: 854534). Invitae Evidence Modeling of protein sequence and biophysical properties (such as structural, functional, and spatial information, amino acid conservation, physicochemical variation, residue mobility, and thermodynamic stability) indicates that this missense variant is expected to disrupt RAD51D protein function with a positive predictive value of 80%. In summary, the available evidence is currently insufficient to determine the role of this variant in disease. Therefore, it has been classified as a Variant of Uncertain Significance.

Quest Diagnostics Nichols Institute San Juan Capistrano
Classification: Uncertain significance. Last evaluated: 2020-07-23. Review status: criteria provided, single submitter. Criteria: Quest Diagnostics criteria. Collection method: clinical testing. Allele origin: unknown.

NM_002878.4(RAD51D):c.331A>C (p.Ser111Arg)

Genes: RAD51D (RAD51 paralog D; minus strand), RAD51L3-RFFL (RAD51L3-RFFL readthrough; minus strand). Cytogenetic location: 17q12.
Variant type: single nucleotide variant.
Coding change: c.331A>C on transcript NM_002878.4 (MANE Select); coding-DNA position 331, A replaced by C.
Protein change: p.Ser111Arg; replaces serine 111 with arginine.
Molecular consequence: missense variant. On other transcripts: non-coding transcript variant (2), intron variant (1).
Genome position (GRCh38, 1-based): chr17:35,107,380, T>G on the plus strand (A>C on the coding strand, the complement: RAD51D is on the minus strand). VCF-style: chr17-35107380-T-G. GRCh37 (hg19) VCF-style: chr17-33434399-T-G.
Other names: c.391A>C, p.Ser131Arg (NM_001142571.2); c.145-899A>C (NM_133629.3); short protein forms S111R, S131R.
Identifiers: ClinVar variation 854534 (VCV000854534.13), dbSNP rs2091620231, ClinGen allele CA399089908.